The following is an entry in ClinVar:

ClinVar aggregate classification (germline): Uncertain significance (0 of 4 stars; one submission).

Conditions:
COL7A1-related disorder. Also called: COL7A1-related condition; COL7A1- related disorders.

Allele frequency attached by ClinVar (database versions not stated): gnomAD 0.00001; TOPMed 0.00001.
gnomAD v4.1: 9 of 1,606,560 alleles (0.00056%); highest among the groups gnomAD compares: Admixed American, 0.0017%; no homozygotes.

Submission:

PreventionGenetics, part of Exact Sciences
Classification: Uncertain significance for COL7A1-related condition. Last evaluated: 2024-01-16. Review status: no assertion criteria provided. Collection method: clinical testing. Allele origin: germline.
Comment: The COL7A1 c.3040C>T variant is predicted to result in the amino acid substitution p.Arg1014Trp. To our knowledge, this variant has not been reported in the literature. This variant is reported in 0.00084% of alleles in individuals of European (Non-Finnish) descent in gnomAD. At this time, the clinical significance of this variant is uncertain due to the absence of conclusive functional and genetic evidence.

NM_000094.4(COL7A1):c.3040C>T (p.Arg1014Trp)

Gene: COL7A1 (collagen type VII alpha 1 chain; minus strand). Cytogenetic location: 3p21.31.
Variant type: single nucleotide variant.
Coding change: c.3040C>T on transcript NM_000094.4 (MANE Select); coding-DNA position 3040, C replaced by T.
Protein change: p.Arg1014Trp; replaces arginine 1014 with tryptophan.
Molecular consequence: missense variant.
Genome position (GRCh38, 1-based): chr3:48,587,289, G>A on the plus strand (C>T on the coding strand, the complement: COL7A1 is on the minus strand). VCF-style: chr3-48587289-G-A. GRCh37 (hg19) VCF-style: chr3-48624722-G-A.
Other names: short protein forms R1014W.
Identifiers: ClinVar variation 3054194 (VCV003054194.2), dbSNP rs1425170956, ClinGen allele CA352713070.